The following is an entry in ClinVar:

NM_014669.5(NUP93):c.117G>A (p.Ala39=)

Gene: NUP93 (nucleoporin 93; plus strand). Cytogenetic location: 16q13.
Variant type: single nucleotide variant.
Coding change: c.117G>A on transcript NM_014669.5 (MANE Select); coding-DNA position 117, G replaced by A.
Protein change: p.Ala39=; no amino-acid change (alanine 39 retained).
Molecular consequence: synonymous variant.
Genome position (GRCh38, 1-based): chr16:56,748,364, G>A. VCF-style: chr16-56748364-G-A. GRCh37 (hg19) VCF-style: chr16-56782276-G-A.
Identifiers: ClinVar variation 778504 (VCV000778504.9), dbSNP rs144673411, ClinGen allele CA8067977.

ClinVar aggregate classification (germline): Benign/Likely benign. Review status: criteria provided, multiple submitters, no conflicts (2 of 4 stars). 3 submissions from 3 submitters: Benign (1); Likely benign (1). 1 of the submissions does not count toward it. Last evaluated 2026-01-28.

Conditions:
NUP93-related disorder. Also called: NUP93-related condition.

Allele frequency attached by ClinVar (database versions not stated): gnomAD exomes 0.00017 and 0.00056; ExAC 0.00068; ESP Exome Variant Server 0.00162; gnomAD 0.00218 and 0.00227; TOPMed 0.00226; 1000 Genomes Project 0.00339; 1000 Genomes Project 30x 0.00406.
gnomAD v4.1: 583 of 1,613,996 alleles (0.036%); highest among the groups gnomAD compares: African/African-American, 0.67%; 2 homozygotes.

Submissions (3):

Labcorp Genetics (formerly Invitae), Labcorp
Classification: Benign. Last evaluated: 2026-01-28. Review status: criteria provided, single submitter. Criteria: Invitae Variant Classification Sherloc (09022015). Collection method: clinical testing. Allele origin: germline.

Blueprint Genetics
Classification: Likely benign. Last evaluated: 2024-11-13. Review status: criteria provided, single submitter. Criteria: ACMG Guidelines, 2015. Collection method: clinical testing. Allele origin: germline.

PreventionGenetics, part of Exact Sciences
Classification: Benign for NUP93-related condition. Last evaluated: 2020-01-28. Review status: no assertion criteria provided. Collection method: clinical testing. Allele origin: germline. Not counted in ClinVar's aggregate classification.
Comment: This variant is classified as benign based on ACMG/AMP sequence variant interpretation guidelines (Richards et al. 2015 PMID: 25741868, with internal and published modifications).